The following is an entry in ClinVar:

NM_002834.5(PTPN11):c.426C>T (p.Ser142=)

Gene: PTPN11 (protein tyrosine phosphatase non-receptor type 11; plus strand). Cytogenetic location: 12q24.13.
Variant type: single nucleotide variant.
Coding change: c.426C>T on transcript NM_002834.5 (MANE Select); coding-DNA position 426, C replaced by T.
Protein change: p.Ser142=; no amino-acid change (serine 142 retained).
Molecular consequence: synonymous variant.
Genome position (GRCh38, 1-based): chr12:112,453,288, C>T. VCF-style: chr12-112453288-C-T. GRCh37 (hg19) VCF-style: chr12-112891092-C-T.
Other names: c.426C>T, p.Ser142= (NM_001330437.2, NM_080601.3); c.423C>T, p.Ser141= (NM_001374625.1); c.426C>T (NM_002834.4).
Identifiers: ClinVar variation 520352 (VCV000520352.20), dbSNP rs199498784, ClinGen allele CA6798550.

ClinVar aggregate classification (germline): Conflicting classifications of pathogenicity. Review status: criteria provided, conflicting classifications (1 of 4 stars). 6 submissions from 6 submitters: Uncertain significance (1); Likely benign (5). Last evaluated 2026-01-12.

Conditions:
Noonan syndrome and Noonan-related syndrome. Identifiers: Orphanet 98733, MedGen C5681679, MONDO:0020297.
Cardiovascular phenotype. Identifiers: MedGen CN230736.
RASopathy. Also called: rasopathies; Noonan spectrum disorder. Identifiers: Orphanet 536391, MedGen C5555857, MONDO:0021060.

Allele frequency attached by ClinVar (database versions not stated): gnomAD exomes 0.00001 and 0.00002; ExAC 0.00002; TOPMed 0.00005; gnomAD 0.00006; 1000 Genomes Project 30x 0.00016; 1000 Genomes Project 0.00020.
gnomAD v4.1: 17 of 1,613,800 alleles (0.0011%); highest among the groups gnomAD compares: African/African-American, 0.021%; no homozygotes.

Submissions (6):

Labcorp Genetics (formerly Invitae), Labcorp
Classification: Likely benign for RASopathy. Last evaluated: 2026-01-12. Review status: criteria provided, single submitter. Criteria: Invitae Variant Classification Sherloc (09022015). Collection method: clinical testing. Allele origin: germline.

Molecular Diagnostic Laboratory for Inherited Cardiovascular Disease, Montreal Heart Institute
Classification: Likely benign. Last evaluated: 2025-04-09. Review status: criteria provided, single submitter. Criteria: ACMG Guidelines, 2015. Collection method: clinical testing. Allele origin: germline. Affected: no.

Women's Health and Genetics/Laboratory Corporation of America, LabCorp
Classification: Likely benign. Last evaluated: 2024-09-04. Review status: criteria provided, single submitter. Criteria: LabCorp Variant Classification Summary - May 2015. Collection method: clinical testing. Allele origin: germline.

Ambry Genetics
Classification: Likely benign for Cardiovascular phenotype. Last evaluated: 2021-08-23. Review status: criteria provided, single submitter. Criteria: Ambry Variant Classification Scheme 2023. Collection method: clinical testing. Allele origin: germline.

GeneDx
Classification: Likely benign. Last evaluated: 2020-10-13. Review status: criteria provided, single submitter. Criteria: GeneDx Variant Classification Process June 2021. Collection method: clinical testing. Allele origin: germline. Affected: yes.
Comment: This variant is associated with the following publications: (PMID: 30050098, 29907801)

Genome Diagnostics Laboratory, The Hospital for Sick Children
Classification: Uncertain significance for Noonan syndrome and Noonan-related syndrome. Last evaluated: 2016-12-12. Review status: criteria provided, single submitter. Criteria: ACMG Guidelines, 2015. Collection method: clinical testing. Allele origin: germline.